The following is an entry in ClinVar:

ClinVar aggregate classification (germline): Likely pathogenic (1 of 4 stars; one submission).

Conditions:
Severe X-linked myotubular myopathy (CNMX). Also called: X-linked centronuclear myopathy; MYOTUBULAR MYOPATHY 1; Myotubular myopathy, X-linked. Identifiers: Orphanet 596, MedGen C0410203, MONDO:0010683, OMIM 310400.

Submission:

Centre for Mendelian Genomics, University Medical Centre Ljubljana
Classification: Likely pathogenic for Severe X-linked myotubular myopathy. Last evaluated: 2020-01-27. Review status: criteria provided, single submitter. Criteria: ACMG Guidelines, 2015. Collection method: clinical testing. Allele origin: unknown. Affected: yes.
Comment: This variant was classified as: Likely pathogenic. The following ACMG criteria were applied in classifying this variant: PM1,PM2,PM5,PP2,PP3. This variant was detected in hemizygous state.

NM_000252.3(MTM1):c.592T>C (p.Tyr198His)

Gene: MTM1 (myotubularin 1; plus strand). Cytogenetic location: Xq28.
Variant type: single nucleotide variant.
Coding change: c.592T>C on transcript NM_000252.3 (MANE Select); coding-DNA position 592, T replaced by C.
Protein change: p.Tyr198His; replaces tyrosine 198 with histidine.
Molecular consequence: missense variant.
Genome position (GRCh38, 1-based): chrX:150,641,332, T>C. VCF-style: chrX-150641332-T-C. GRCh37 (hg19) VCF-style: chrX-149809805-T-C.
Other names: c.592T>C, p.Tyr198His (NM_001376906.1, NM_001376908.1); c.481T>C, p.Tyr161His (NM_001376907.1); short protein forms Y161H, Y198H.
Identifiers: ClinVar variation 930670 (VCV000930670.3), dbSNP rs2039845128, ClinGen allele CA415256091.